The following is an entry in ClinVar:

NM_001276270.2(MBD4):c.1447G>A (p.Glu483Lys)

Gene: MBD4 (methyl-CpG binding domain 4, DNA glycosylase; minus strand). Cytogenetic location: 3q21.3.
Variant type: single nucleotide variant.
Coding change: c.1447G>A on transcript NM_001276270.2 (MANE Select); coding-DNA position 1447, G replaced by A.
Protein change: p.Glu483Lys; replaces glutamic acid 483 with lysine.
Molecular consequence: missense variant.
Genome position (GRCh38, 1-based): chr3:129,433,194, C>T on the plus strand (G>A on the coding strand, the complement: MBD4 is on the minus strand). VCF-style: chr3-129433194-C-T. GRCh37 (hg19) VCF-style: chr3-129152037-C-T.
Other names: c.1465G>A, p.Glu489Lys (NM_001276271.2, NM_001276272.2, NM_003925.3); c.511G>A, p.Glu171Lys (NM_001276273.2); short protein forms E171K, E483K, E489K.
Identifiers: ClinVar variation 5024014 (VCV005024014.1).
Genomic context (GRCh38, chr3:129,433,194, plus strand): 5'-AGAGACCAAGAGGTTTAAGAAGTTCTGACACATCTCTCCAGTCTGCGGTTCTTGCTACCT[C>T]AGCTGAAGGATACTTCTCCAGAAACTTCCAAAGCACAGGTATTGCCATTTTGCCTGGGAA-3'
Protein context (NP_001263199.1, residues 473-493): WKFLEKYPSA[Glu483Lys]VARTADWRDV

ClinVar aggregate classification (germline): Uncertain significance (1 of 4 stars; one submission).

Conditions:
Inborn genetic diseases. Identifiers: MedGen C0950123, MeSH D030342.

gnomAD v4.1: 4 of 1,614,104 alleles (0.00025%); highest among the groups gnomAD compares: East Asian, 0.0022%; no homozygotes.

Submission:

Ambry Genetics
Classification: Uncertain significance for Inborn genetic diseases. Last evaluated: 2026-07-05. Review status: criteria provided, single submitter. Criteria: Ambry Variant Classification Scheme 2023. Collection method: clinical testing. Allele origin: germline.
Comment: The p.E483K variant (also known as c.1447G>A), located in coding exon 6 of the MBD4 gene, results from a G to A substitution at nucleotide position 1447. The glutamic acid at codon 483 is replaced by lysine, an amino acid with similar properties. This amino acid position is conserved. In addition, the in silico prediction for this alteration is inconclusive. Based on the available evidence, the clinical significance of this variant remains unclear.